The following is an entry in ClinVar:

ClinVar aggregate classification (germline): Likely benign (1 of 4 stars; one submission).

Allele frequency attached by ClinVar (database versions not stated): ExAC 0.00124; 1000 Genomes Project 0.00319; 1000 Genomes Project 30x 0.00344; ESP Exome Variant Server 0.00354; gnomAD 0.00365; TOPMed 0.00431.
gnomAD v4.1: 1,194 of 1,614,030 alleles (0.074%); highest among the groups gnomAD compares: African/African-American, 1.4%; 8 homozygotes.

Submission:

CeGaT Center for Human Genetics Tuebingen
Classification: Likely benign. Last evaluated: 2024-04-01. Review status: criteria provided, single submitter. Criteria: CeGaT Center For Human Genetics Tuebingen Variant Classification Criteria Version 2. Collection method: clinical testing. Allele origin: germline. Affected: yes. Observed: 1 variant allele.
Comment: BTBD6: BP4, BP7, BS1

NM_001387567.1(BTBD6):c.1452G>A (p.Thr484=)

Genes: BRF1 (BRF1 general transcription factor IIIB subunit; minus strand), BTBD6 (BTB domain containing 6; plus strand). Cytogenetic location: 14q32.33.
Variant type: single nucleotide variant.
Coding change: c.1452G>A on transcript NM_001387567.1 (MANE Select); coding-DNA position 1452, G replaced by A.
Protein change: p.Thr484=; no amino-acid change (threonine 484 retained).
Molecular consequence: synonymous variant. On other transcripts: intron variant (4).
Genome position (GRCh38, 1-based): chr14:105,250,507, G>A. VCF-style: chr14-105250507-G-A. GRCh37 (hg19) VCF-style: chr14-105716844-G-A.
Other names: c.1293G>A, p.Thr431= (NM_033271.3); c.199+2000C>T (NM_001242787.2, NM_001242786.2); c.463+2000C>T (NM_001242788.2); c.544+2000C>T (NM_001519.4).
Identifiers: ClinVar variation 3234247 (VCV003234247.20), dbSNP rs139544532, ClinGen allele CA7387992.
Genomic context (GRCh38, chr14:105,250,507, plus strand): 5'-TAACACCTTCCCGGTCTGGTTTGAACACCCGGTCCAGGTTGAACAAGACACCTTCTACAC[G>A]GCCAGTGCCGTCCTGGACGGCAGCGAACTCAGCTACTTTGGGCAGGAGGGGATGACGGAA-3'
Protein context (NP_001374496.1, residues 474-494): PVQVEQDTFY[Thr484=]ASAVLDGSEL